The following is an entry in ClinVar:

ClinVar aggregate classification (germline): Conflicting classifications of pathogenicity. Review status: criteria provided, conflicting classifications (1 of 4 stars). 2 submissions from 2 submitters: Pathogenic (1); Uncertain significance (1). Last evaluated 2024-05-08.

Conditions:
Hereditary spastic paraplegia 7 (SPG7). Also called: SPG7-related neurologic disorder; Autosomal recessive spastic paraplegia type 7; SPASTIC PARAPLEGIA 7, AUTOSOMAL RECESSIVE, WITH OR WITHOUT CEREBELLAR ATAXIA; Spastic paraplegia 7; Hereditary spastic paraplegia Paraplegin type. Identifiers: Orphanet 99013, MedGen C1846564, MONDO:0011803, OMIM 607259.

Allele frequency attached by ClinVar (database versions not stated): gnomAD exomes below 0.00001; TOPMed below 0.00001.
gnomAD v4.1: 5 of 1,596,346 alleles (0.00031%); highest among the groups gnomAD compares: Non-Finnish European, 0.00043%; no homozygotes.

Submissions (2):

Concord Molecular Medicine Laboratory, Concord Repatriation General Hospital
Classification: Pathogenic for Hereditary spastic paraplegia 7. Last evaluated: 2024-05-08. Review status: criteria provided, single submitter. Criteria: ACMG Guidelines, 2015. Collection method: clinical testing. Allele origin: germline. Inheritance: Autosomal recessive inheritance. Affected: yes. Observed: 1 compound heterozygote.
Comment: This is a rare variant detected at a very low frequency in control population (allelic frequency 0.0003%, gnomAD v4.1). RNA studies from peripheral blood sample confirmed near complete loss of canonical exon 6-7 splicing, resulting in exon 6 skipping and cryptic donor site activation leading to a premature stop codon.

Labcorp Genetics (formerly Invitae), Labcorp
Classification: Uncertain significance for Hereditary spastic paraplegia 7. Last evaluated: 2022-02-04. Review status: criteria provided, single submitter. Criteria: Invitae Variant Classification Sherloc (09022015). Collection method: clinical testing. Allele origin: germline.
Comment: This variant is present in population databases (rs765178985, gnomAD 0.007%). This sequence change falls in intron 6 of the SPG7 gene. It does not directly change the encoded amino acid sequence of the SPG7 protein. It affects a nucleotide within the consensus splice site. This variant has been observed in individuals with hereditary spastic paraplegia (PMID: 23733235). In summary, the available evidence is currently insufficient to determine the role of this variant in disease. Therefore, it has been classified as a Variant of Uncertain Significance. Variants that disrupt the consensus splice site are a relatively common cause of aberrant splicing (PMID: 17576681, 9536098). Algorithms developed to predict the effect of sequence changes on RNA splicing suggest that this variant may disrupt the consensus splice site. ClinVar contains an entry for this variant (Variation ID: 838411).

Literature cited by the submitters: PubMed 23733235 (cited by Labcorp Genetics (formerly Invitae), Labcorp); PubMed 17576681 (cited by Labcorp Genetics (formerly Invitae), Labcorp); PubMed 9536098 (cited by Labcorp Genetics (formerly Invitae), Labcorp).

NM_003119.4(SPG7):c.861+6T>C

Gene: SPG7 (SPG7 matrix AAA peptidase subunit, paraplegin; plus strand). Cytogenetic location: 16q24.3.
Variant type: single nucleotide variant.
Coding change: c.861+6T>C on transcript NM_003119.4 (MANE Select); 6 bases into the intron after coding-DNA position 861, T replaced by C.
Molecular consequence: intron variant.
Genome position (GRCh38, 1-based): chr16:89,529,585, T>C. VCF-style: chr16-89529585-T-C. GRCh37 (hg19) VCF-style: chr16-89595993-T-C.
Other names: c.861+6T>C (NM_001363850.1, NM_199367.3).
Identifiers: ClinVar variation 838411 (VCV000838411.10), dbSNP rs765178985, ClinGen allele CA286541789.